The following is an entry in ClinVar:

NM_000465.4(BARD1):c.919T>C (p.Tyr307His)

Gene: BARD1 (BRCA1 associated RING domain 1; minus strand). Cytogenetic location: 2q35.
Variant type: single nucleotide variant.
Coding change: c.919T>C on transcript NM_000465.4 (MANE Select); coding-DNA position 919, T replaced by C.
Protein change: p.Tyr307His; replaces tyrosine 307 with histidine.
Molecular consequence: missense variant. On other transcripts: non-coding transcript variant (2), intron variant (3).
Genome position (GRCh38, 1-based): chr2:214,780,955, A>G on the plus strand (T>C on the coding strand, the complement: BARD1 is on the minus strand). VCF-style: chr2-214780955-A-G. GRCh37 (hg19) VCF-style: chr2-215645679-A-G.
Other names: c.862T>C, p.Tyr288His (NM_001282543.2); c.159-28400T>C (NM_001282548.2); c.215+16106T>C (NM_001282545.2); c.364+11342T>C (NM_001282549.2); c.919T>C (NM_000465.2); short protein forms Y288H, Y307H.
Identifiers: ClinVar variation 918836 (VCV000918836.15), dbSNP rs1694981227, ClinGen allele CA350455072.
Genomic context (GRCh38, chr2:214,780,955, plus strand): 5'-TATTGTGATGGCCACGTTTTCCATTATTTTCTAATGGCAAAGATTTCTTAGATGTAAGAT[A>G]ATTTTTGCAGACCTTCTCAGGAGTCACTACTTCATTCCTGCTCTTAGTGTCTGGAGACTC-3'
Protein context (NP_000456.2, residues 297-317): VVTPEKVCKN[Tyr307His]LTSKKSLPLE

ClinVar aggregate classification (germline): Conflicting classifications of pathogenicity. Review status: criteria provided, conflicting classifications (1 of 4 stars). 4 submissions from 4 submitters: Uncertain significance (3); Likely benign (1). Last evaluated 2024-03-06.

Conditions:
Hereditary cancer-predisposing syndrome. Also called: Neoplastic Syndromes, Hereditary; Tumor predisposition; Hereditary Cancer Syndrome; Hereditary neoplastic syndrome. Identifiers: Orphanet 140162, MedGen C0027672, MeSH D009386, MONDO:0015356.
Familial cancer of breast. Also called: BREAST CANCER, FAMILIAL; Hereditary breast cancer; hereditary breast carcinoma. Identifiers: Orphanet 227535, MedGen C0346153, MONDO:0016419, OMIM 114480. Disease mechanism: loss of function.

Allele frequency attached by ClinVar (database versions not stated): gnomAD exomes below 0.00001.
gnomAD v4.1: 2 of 1,613,722 alleles (0.00012%); highest among the groups gnomAD compares: Middle Eastern, 0.016%; no homozygotes.

Submissions (4):

GeneDx
Classification: Uncertain significance. Last evaluated: 2024-03-06. Review status: criteria provided, single submitter. Criteria: GeneDx Variant Classification Process June 2021. Collection method: clinical testing. Allele origin: germline. Affected: yes.
Comment: Not observed at significant frequency in large population cohorts (gnomAD); In silico analysis supports that this missense variant does not alter protein structure/function; Has not been previously published as pathogenic or benign to our knowledge

Ambry Genetics
Classification: Likely benign for Hereditary cancer-predisposing syndrome. Last evaluated: 2024-02-26. Review status: criteria provided, single submitter. Criteria: Ambry Variant Classification Scheme 2023. Collection method: clinical testing. Allele origin: germline.

Color Diagnostics, LLC DBA Color Health
Classification: Uncertain significance for Hereditary cancer-predisposing syndrome. Last evaluated: 2023-12-05. Review status: criteria provided, single submitter. Criteria: ACMG Guidelines, 2015. Collection method: clinical testing. Allele origin: germline.
Comment: This missense variant replaces tyrosine with histidine at codon 307 of the BARD1 protein. Computational prediction suggests that this variant may not impact protein structure and function (internally defined REVEL score threshold <= 0.5, PMID: 27666373). To our knowledge, functional studies have not been reported for this variant. This variant has not been reported in individuals affected with BARD1-related disorders in the literature. This variant has not been identified in the general population by the Genome Aggregation Database (gnomAD). The available evidence is insufficient to determine the role of this variant in disease conclusively. Therefore, this variant is classified as a Variant of Uncertain Significance.

Labcorp Genetics (formerly Invitae), Labcorp
Classification: Uncertain significance for Familial cancer of breast. Last evaluated: 2021-04-05. Review status: criteria provided, single submitter. Criteria: Invitae Variant Classification Sherloc (09022015). Collection method: clinical testing. Allele origin: germline.
Comment: This sequence change replaces tyrosine with histidine at codon 307 of the BARD1 protein (p.Tyr307His). The tyrosine residue is weakly conserved and there is a moderate physicochemical difference between tyrosine and histidine. This variant is not present in population databases (ExAC no frequency). This variant has not been reported in the literature in individuals with BARD1-related conditions. ClinVar contains an entry for this variant (Variation ID: 918836). Algorithms developed to predict the effect of missense changes on protein structure and function output the following: SIFT: "Tolerated"; PolyPhen-2: "Benign"; Align-GVGD: "Class C0". The histidine amino acid residue is found in multiple mammalian species, suggesting that this missense change does not adversely affect protein function. These predictions have not been confirmed by published functional studies and their clinical significance is uncertain. In summary, the available evidence is currently insufficient to determine the role of this variant in disease. Therefore, it has been classified as a Variant of Uncertain Significance.